The following is an entry in ClinVar:

ClinVar aggregate classification (germline): Benign. Review status: criteria provided, multiple submitters, no conflicts (2 of 4 stars). 3 submissions from 3 submitters: Benign (3). Last evaluated 2021-04-25.

Conditions:
ALG12-congenital disorder of glycosylation (CDG1G). Also called: CDG Ig; Congenital disorder of glycosylation, type Ig; ALG12-CDG. Identifiers: Orphanet 79324, MedGen C2931001, MONDO:0011783, OMIM 607143.

Allele frequency attached by ClinVar (database versions not stated): gnomAD exomes 0.00627 and 0.00902; ExAC 0.00963; gnomAD 0.03076 and 0.03225; TOPMed 0.03354; 1000 Genomes Project 0.03954; 1000 Genomes Project 30x 0.04201.
gnomAD v4.1: 8,005 of 680,138 alleles (1.2%); highest among the groups gnomAD compares: African/African-American, 10%; 308 homozygotes.

Submissions (3):

GeneDx
Classification: Benign. Last evaluated: 2021-04-25. Review status: criteria provided, single submitter. Criteria: GeneDx Variant Classification Process June 2021. Collection method: clinical testing. Allele origin: germline. Affected: yes.

Illumina Laboratory Services, Illumina
Classification: Benign for ALG12-congenital disorder of glycosylation. Last evaluated: 2018-01-12. Review status: criteria provided, single submitter. Criteria: ICSL Variant Classification Criteria 13 December 2019. Collection method: clinical testing. Allele origin: germline.
Comment: This variant was observed in the ICSL laboratory as part of a predisposition screen in an ostensibly healthy population. It had not been previously curated by ICSL or reported in the Human Gene Mutation Database (HGMD: prior to June 1st, 2018), and was therefore a candidate for classification through an automated scoring system. Utilizing variant allele frequency, disease prevalence and penetrance estimates, and inheritance mode, an automated score was calculated to assess if this variant is too frequent to cause the disease. Based on the score and internal cut-off values, a variant classified as benign is not then subjected to further curation. The score for this variant resulted in a classification of benign for this disease.

Breakthrough Genomics
Classification: Benign. Review status: criteria provided, single submitter. Criteria: ACMG Guidelines, 2015. Collection method: not provided. Allele origin: germline. Inheritance: Autosomal recessive inheritance. Affected: yes.

NM_024105.4(ALG12):c.*240G>A

Gene: ALG12 (ALG12 alpha-1,6-mannosyltransferase; minus strand). Cytogenetic location: 22q13.33.
Variant type: single nucleotide variant.
Coding change: c.*240G>A on transcript NM_024105.4 (MANE Select); 240 bases downstream of the stop codon, G replaced by A.
Molecular consequence: 3 prime UTR variant.
Genome position (GRCh38, 1-based): chr22:49,903,598, C>T on the plus strand (G>A on the coding strand, the complement: ALG12 is on the minus strand). VCF-style: chr22-49903598-C-T. GRCh37 (hg19) VCF-style: chr22-50297246-C-T.
Identifiers: ClinVar variation 342036 (VCV000342036.7), dbSNP rs76848348, ClinGen allele CA10300176.
Genomic context (GRCh38, chr22:49,903,598, plus strand): 5'-TGAATGGCACCTGGTCTGGGCGACAGTCACCCGCAGGAAGCCCTGAGCTGGCCACCATCA[C>T]CCTGGGCAGTGGCTCCCGGGGTGCCAACAAGACCTGGGCCCCTCGTTCTTTGGTGCTGAG-3'